The following is an entry in ClinVar:

ClinVar aggregate classification (germline): Uncertain significance. Review status: criteria provided, multiple submitters, no conflicts (2 of 4 stars). 2 submissions from 2 submitters: Uncertain significance (2). Last evaluated 2023-02-15.

Conditions:
Hereditary cancer-predisposing syndrome. Also called: Neoplastic Syndromes, Hereditary; Tumor predisposition; Hereditary neoplastic syndrome; Hereditary Cancer Syndrome. Identifiers: Orphanet 140162, MedGen C0027672, MeSH D009386, MONDO:0015356.

Submissions (2):

Ambry Genetics
Classification: Uncertain significance for Hereditary cancer-predisposing syndrome. Last evaluated: 2023-02-15. Review status: criteria provided, single submitter. Criteria: Ambry Variant Classification Scheme 2023. Collection method: clinical testing. Allele origin: germline.
Comment: The p.D1730G variant (also known as c.5189A>G), located in coding exon 39 of the POLE gene, results from an A to G substitution at nucleotide position 5189. The aspartic acid at codon 1730 is replaced by glycine, an amino acid with similar properties. This amino acid position is conserved. In addition, the in silico prediction for this alteration is inconclusive. Since supporting evidence is limited at this time, the clinical significance of this alteration remains unclear.

Labcorp Genetics (formerly Invitae), Labcorp
Classification: Uncertain significance. Last evaluated: 2020-06-03. Review status: criteria provided, single submitter. Criteria: Invitae Variant Classification Sherloc (09022015). Collection method: clinical testing. Allele origin: germline.
Comment: This sequence change replaces aspartic acid with glycine at codon 1730 of the POLE protein (p.Asp1730Gly). The aspartic acid residue is moderately conserved and there is a moderate physicochemical difference between aspartic acid and glycine. This variant is not present in population databases (ExAC no frequency). This variant has not been reported in the literature in individuals with POLE-related disease. Algorithms developed to predict the effect of missense changes on protein structure and function do not agree on the potential impact of this missense change (SIFT: "Tolerated"; PolyPhen-2: "Possibly Damaging"; Align-GVGD: "Class C0"). In summary, the available evidence is currently insufficient to determine the role of this variant in disease. Therefore, it has been classified as a Variant of Uncertain Significance.

NM_006231.4(POLE):c.5189A>G (p.Asp1730Gly)

Gene: POLE (DNA polymerase epsilon, catalytic subunit; minus strand). Cytogenetic location: 12q24.33.
Variant type: single nucleotide variant.
Coding change: c.5189A>G on transcript NM_006231.4 (MANE Select); coding-DNA position 5189, A replaced by G.
Protein change: p.Asp1730Gly; replaces aspartic acid 1730 with glycine.
Molecular consequence: missense variant.
Genome position (GRCh38, 1-based): chr12:132,641,836, T>C on the plus strand (A>G on the coding strand, the complement: POLE is on the minus strand). VCF-style: chr12-132641836-T-C. GRCh37 (hg19) VCF-style: chr12-133218422-T-C.
Other names: c.5189A>G (NM_006231.2); short protein forms D1730G.
Identifiers: ClinVar variation 578870 (VCV000578870.10), dbSNP rs1565936260, ClinGen allele CA387376484.